The following is an entry in ClinVar:

NM_001330260.2(SCN8A):c.4196T>C (p.Val1399Ala)

Gene: SCN8A (sodium voltage-gated channel alpha subunit 8; plus strand). Cytogenetic location: 12q13.13.
Variant type: single nucleotide variant.
Coding change: c.4196T>C on transcript NM_001330260.2 (MANE Select); coding-DNA position 4196, T replaced by C.
Protein change: p.Val1399Ala; replaces valine 1399 with alanine.
Molecular consequence: missense variant.
Genome position (GRCh38, 1-based): chr12:51,786,795, T>C. VCF-style: chr12-51786795-T-C. GRCh37 (hg19) VCF-style: chr12-52180579-T-C.
Other names: c.4073T>C, p.Val1358Ala (NM_001177984.3, NM_001369788.1); c.4196T>C, p.Val1399Ala (NM_014191.4); short protein forms V1358A, V1399A.
Identifiers: ClinVar variation 1687579 (VCV001687579.1), dbSNP rs2138904540, ClinGen allele CA384906691.

ClinVar aggregate classification (germline): Uncertain significance (1 of 4 stars; one submission).

Conditions:
Developmental and epileptic encephalopathy, 13 (DEE13). Also called: Early infantile epileptic encephalopathy 13; Developmental and Epileptic Encephalopathy (SCN8A-DEE); SCN8A-Related Epilepsy. Identifiers: Orphanet 442835, MedGen C3281191, MONDO:0013801, OMIM 614558.

Submission:

3billion
Classification: Uncertain significance for Developmental and epileptic encephalopathy, 13. Last evaluated: 2022-05-22. Review status: criteria provided, single submitter. Criteria: ACMG Guidelines, 2015. Collection method: clinical testing. Allele origin: germline. Affected: yes. Observed: 1 heterozygote.
Comment: The variant is not observed in the gnomAD v2.1.1 dataset. Missense changes are a common disease-causing mechanism. In silico tool predictions suggest damaging effect of the variant on gene or gene product (REVEL: 0.96; 3Cnet: 0.97). Therefore, this variant is classified as uncertain significanceaccording to the recommendation of ACMG/AMP guideline.